The following is an entry in ClinVar:

ClinVar aggregate classification (germline): Benign/Likely benign. Review status: criteria provided, multiple submitters, no conflicts (2 of 4 stars). 5 submissions from 5 submitters: Benign (2); Likely benign (2). 1 of the submissions does not count toward it. Last evaluated 2026-01-16.

Allele frequency attached by ClinVar (database versions not stated): gnomAD exomes 0.00050 and 0.00117; ExAC 0.00141; 1000 Genomes Project 0.00339; gnomAD 0.00360 and 0.00389; 1000 Genomes Project 30x 0.00390; TOPMed 0.00449; ESP Exome Variant Server 0.00454.
gnomAD v4.1: 1,311 of 1,613,952 alleles (0.081%); highest among the groups gnomAD compares: African/African-American, 1.2%; 6 homozygotes.

Submissions (8):

Labcorp Genetics (formerly Invitae), Labcorp
Classification: Benign. Last evaluated: 2026-01-16. Review status: criteria provided, single submitter. Criteria: Invitae Variant Classification Sherloc (09022015). Collection method: clinical testing. Allele origin: germline.

Mayo Clinic Laboratories, Mayo Clinic
Classification: Likely benign. Last evaluated: 2025-12-13. Review status: criteria provided, single submitter. Criteria: ACMG Guidelines, 2015. Collection method: clinical testing. Allele origin: germline. Observed: 1 variant allele.
Comment: BS1, BP4, BP7

Blueprint Genetics
Classification: Likely benign. Last evaluated: 2024-11-18. Review status: criteria provided, single submitter. Criteria: ACMG Guidelines, 2015. Collection method: clinical testing. Allele origin: germline.

Breakthrough Genomics
Classification: Benign. Review status: criteria provided, single submitter. Criteria: ACMG Guidelines, 2015. Collection method: not provided. Allele origin: germline. Inheritance: Autosomal recessive inheritance. Affected: yes.

Genetic Services Laboratory, University of Chicago
Classification: Benign. Last evaluated: 2022-09-13. Review status: no assertion criteria provided. Collection method: clinical testing. Allele origin: germline. Affected: no. Not counted in ClinVar's aggregate classification.

Dr. Peter K. Rogan Lab, Western University
No classification provided (evidence only). Condition: Clear cell carcinoma of kidney. Review status: no classification provided. Collection method: in vitro. Allele origin: not applicable. Functional consequence: retained intron. Not counted in ClinVar's aggregate classification.

Dr. Peter K. Rogan Lab, Western University
No classification provided (evidence only). Condition: Uterine corpus endometrial carcinoma. Review status: no classification provided. Collection method: in vitro. Allele origin: not applicable. Functional consequence: retained intron. Not counted in ClinVar's aggregate classification.

Dr. Peter K. Rogan Lab, Western University
No classification provided (evidence only). Condition: Uterine corpus endometrial carcinoma. Review status: no classification provided. Collection method: in vitro. Allele origin: not applicable. Functional consequence: retained intron. Not counted in ClinVar's aggregate classification.

NM_014994.3(MAPKBP1):c.2859G>A (p.Pro953=)

Gene: MAPKBP1 (mitogen-activated protein kinase binding protein 1; plus strand). Cytogenetic location: 15q15.1.
Variant type: single nucleotide variant.
Coding change: c.2859G>A on transcript NM_014994.3 (MANE Select); coding-DNA position 2859, G replaced by A.
Protein change: p.Pro953=; no amino-acid change (proline 953 retained).
Molecular consequence: synonymous variant. On other transcripts: non-coding transcript variant (2).
Genome position (GRCh38, 1-based): chr15:41,821,724, G>A. VCF-style: chr15-41821724-G-A. GRCh37 (hg19) VCF-style: chr15-42113922-G-A.
Other names: p.Pro959=; c.2877G>A, p.Pro959= (NM_001128608.2); c.2859G>A, p.Pro953= (NM_001265611.2).
Identifiers: ClinVar variation 716220 (VCV000716220.15), dbSNP rs141865866, ClinGen allele CA7498393.